The following is an entry in ClinVar:

NM_058216.3(RAD51C):c.1031A>G (p.Gln344Arg)

Gene: RAD51C (RAD51 paralog C; plus strand). Cytogenetic location: 17q22.
Variant type: single nucleotide variant.
Coding change: c.1031A>G on transcript NM_058216.3 (MANE Select); coding-DNA position 1031, A replaced by G.
Protein change: p.Gln344Arg; replaces glutamine 344 with arginine.
Molecular consequence: missense variant. On other transcripts: non-coding transcript variant (1).
Genome position (GRCh38, 1-based): chr17:58,734,122, A>G. VCF-style: chr17-58734122-A-G. GRCh37 (hg19) VCF-style: chr17-56811483-A-G.
Other names: short protein forms Q344R.
Identifiers: ClinVar variation 1476637 (VCV001476637.11), dbSNP rs2049559372, ClinGen allele CA400365840.
Genomic context (GRCh38, chr17:58,734,122, plus strand): 5'-GATCAGTCTTCAAATGTTCTTAAAGCATATTTGTATATATATTTTTTATCTTTCAGCCTC[A>G]GGGATTTAGAGATACTGTTGTTACTTCTGCATGTTCATTGCAAACAGAAGGTTCCTTGAG-3'
Protein context (NP_478123.1, residues 334-354): ECTVLFQIKP[Gln344Arg]GFRDTVVTSA

ClinVar aggregate classification (germline): Conflicting classifications of pathogenicity. Review status: criteria provided, conflicting classifications (1 of 4 stars). 2 submissions from 2 submitters: Uncertain significance (1); Benign (1). Last evaluated 2025-09-25.

Conditions:
Hereditary cancer-predisposing syndrome. Also called: Hereditary neoplastic syndrome; Tumor predisposition; Neoplastic Syndromes, Hereditary; Hereditary Cancer Syndrome. Identifiers: Orphanet 140162, MedGen C0027672, MeSH D009386, MONDO:0015356.
Fanconi anemia complementation group O. Also called: RAD51C-Related Fanconi Anemia. Identifiers: Orphanet 84, MedGen C3150653, MONDO:0013248, OMIM 613390.

Allele frequency attached by ClinVar (database versions not stated): gnomAD exomes below 0.00001; TOPMed below 0.00001; gnomAD 0.00001.
gnomAD v4.1: 3 of 1,612,602 alleles (0.00019%); highest among the groups gnomAD compares: Admixed American, 0.005%; no homozygotes.

Submissions (2):

Ambry Genetics
Classification: Benign for Hereditary cancer-predisposing syndrome. Last evaluated: 2025-09-25. Review status: criteria provided, single submitter. Criteria: Ambry Variant Classification Scheme 2023. Collection method: clinical testing. Allele origin: germline.

Labcorp Genetics (formerly Invitae), Labcorp
Classification: Uncertain significance for Fanconi anemia complementation group O. Last evaluated: 2024-05-08. Review status: criteria provided, single submitter. Criteria: Invitae Variant Classification Sherloc (09022015). Collection method: clinical testing. Allele origin: germline.
Comment: This sequence change replaces glutamine, which is neutral and polar, with arginine, which is basic and polar, at codon 344 of the RAD51C protein (p.Gln344Arg). This variant is not present in population databases (gnomAD no frequency). This variant has not been reported in the literature in individuals affected with RAD51C-related conditions. ClinVar contains an entry for this variant (Variation ID: 1476637). An algorithm developed to predict the effect of missense changes on protein structure and function (PolyPhen-2) suggests that this variant is likely to be tolerated. In summary, the available evidence is currently insufficient to determine the role of this variant in disease. Therefore, it has been classified as a Variant of Uncertain Significance.